The following is an entry in ClinVar:

ClinVar aggregate classification (germline): Uncertain significance (1 of 4 stars; one submission).

Conditions:
Ehlers-Danlos syndrome, dermatosparaxis type. Also called: EDS VIIC; Ehlers-Danlos syndrome, type VII, autosomal recessive; Dermatosparaxis. Identifiers: Orphanet 1901, MedGen C2700425, MONDO:0009161, OMIM 225410.

gnomAD v4.1: 24 of 1,613,900 alleles (0.0015%); highest among the groups gnomAD compares: African/African-American, 0.029%; no homozygotes.

Submission:

Labcorp Genetics (formerly Invitae), Labcorp
Classification: Uncertain significance for Ehlers-Danlos syndrome, dermatosparaxis type. Last evaluated: 2026-01-06. Review status: criteria provided, single submitter. Criteria: Invitae Variant Classification Sherloc (09022015). Collection method: clinical testing. Allele origin: germline.
Comment: This sequence change replaces serine, which is neutral and polar, with asparagine, which is neutral and polar, at codon 322 of the ADAMTS2 protein (p.Ser322Asn). This variant is present in population databases (rs201702236, gnomAD 0.03%). This variant has not been reported in the literature in individuals affected with ADAMTS2-related conditions. An algorithm developed to predict the effect of missense changes on protein structure and function (PolyPhen-2) suggests that this variant is likely to be tolerated. In summary, the available evidence is currently insufficient to determine the role of this variant in disease. Therefore, it has been classified as a Variant of Uncertain Significance.

NM_014244.5(ADAMTS2):c.965G>A (p.Ser322Asn)

Gene: ADAMTS2 (ADAM metallopeptidase with thrombospondin type 1 motif 2; minus strand). Cytogenetic location: 5q35.3.
Variant type: single nucleotide variant.
Coding change: c.965G>A on transcript NM_014244.5 (MANE Select); coding-DNA position 965, G replaced by A.
Protein change: p.Ser322Asn; replaces serine 322 with asparagine.
Molecular consequence: missense variant.
Genome position (GRCh38, 1-based): chr5:179,181,082, C>T on the plus strand (G>A on the coding strand, the complement: ADAMTS2 is on the minus strand). VCF-style: chr5-179181082-C-T. GRCh37 (hg19) VCF-style: chr5-178608083-C-T.
Other names: c.965G>A, p.Ser322Asn (NM_021599.4); short protein forms S322N.
Identifiers: ClinVar variation 4800925 (VCV004800925.1).
Genomic context (GRCh38, chr5:179,181,082, plus strand): 5'-CCTCACTCCGAGGGGGTGGAGGCAGGCCCGGCTGGCCACAGTGCACTCACCTTTCCATAG[C>T]TCAGGAGGATGATCCGCACCAGGACCACGTTGATGTGGGCACCCAAGGACTCGTCATGGT-3'
Protein context (NP_055059.2, residues 312-332): NVVLVRIILL[Ser322Asn]YGKSMSLIEI